The following is an entry in ClinVar:

ClinVar aggregate classification (germline): Uncertain significance (1 of 4 stars; one submission).

gnomAD v4.1: 1 of 1,614,026 alleles (0.000062%); highest among the groups gnomAD compares: Admixed American, 0.0017%; no homozygotes.

Submission:

Labcorp Genetics (formerly Invitae), Labcorp
Classification: Uncertain significance. Last evaluated: 2022-02-18. Review status: criteria provided, single submitter. Criteria: Invitae Variant Classification Sherloc (09022015). Collection method: clinical testing. Allele origin: germline.
Comment: This variant has not been reported in the literature in individuals affected with EXTL3-related conditions. This variant is not present in population databases (gnomAD no frequency). This sequence change replaces arginine, which is basic and polar, with glycine, which is neutral and non-polar, at codon 28 of the EXTL3 protein (p.Arg28Gly). Algorithms developed to predict the effect of missense changes on protein structure and function are either unavailable or do not agree on the potential impact of this missense change (SIFT: "Deleterious"; PolyPhen-2: "Possibly Damaging"; Align-GVGD: "Class C0"). In summary, the available evidence is currently insufficient to determine the role of this variant in disease. Therefore, it has been classified as a Variant of Uncertain Significance.

NM_001440.4(EXTL3):c.82C>G (p.Arg28Gly)

Gene: EXTL3 (exostosin like glycosyltransferase 3; plus strand). Cytogenetic location: 8p21.1.
Variant type: single nucleotide variant.
Coding change: c.82C>G on transcript NM_001440.4 (MANE Select); coding-DNA position 82, C replaced by G.
Protein change: p.Arg28Gly; replaces arginine 28 with glycine.
Molecular consequence: missense variant.
Genome position (GRCh38, 1-based): chr8:28,716,141, C>G. VCF-style: chr8-28716141-C-G. GRCh37 (hg19) VCF-style: chr8-28573658-C-G.
Other names: short protein forms R28G.
Identifiers: ClinVar variation 2097910 (VCV002097910.4), dbSNP rs747658857, ClinGen allele CA370853001.